The following is an entry in ClinVar:

NM_024408.4(NOTCH2):c.6701G>A (p.Gly2234Asp)

Gene: NOTCH2 (notch receptor 2; minus strand). Cytogenetic location: 1p12.
Variant type: single nucleotide variant.
Coding change: c.6701G>A on transcript NM_024408.4 (MANE Select); coding-DNA position 6701, G replaced by A.
Protein change: p.Gly2234Asp; replaces glycine 2234 with aspartic acid.
Molecular consequence: missense variant.
Genome position (GRCh38, 1-based): chr1:119,916,021, C>T on the plus strand (G>A on the coding strand, the complement: NOTCH2 is on the minus strand). VCF-style: chr1-119916021-C-T. GRCh37 (hg19) VCF-style: chr1-120458644-C-T.
Other names: short protein forms G2234D.
Identifiers: ClinVar variation 3344371 (VCV003344371.3).

ClinVar aggregate classification (germline): Uncertain significance. Review status: criteria provided, single submitter (1 of 4 stars). 2 submissions from 2 submitters: Uncertain significance (1). 1 of the submissions does not count toward it. Last evaluated 2025-08-08.

Conditions:
Hajdu-Cheney syndrome (HJCYS). Also called: SERPENTINE FIBULA-POLYCYSTIC KIDNEY SYNDROME; Acroosteolysis dominant type; ACROOSTEOLYSIS WITH OSTEOPOROSIS AND CHANGES IN SKULL AND MANDIBLE. Identifiers: Orphanet 955, MedGen C0917715, MONDO:0007057, OMIM 102500.
NOTCH2-related disorder. Also called: NOTCH2-related condition.

Submissions (2):

Labcorp Genetics (formerly Invitae), Labcorp
Classification: Uncertain significance for Hajdu-Cheney syndrome. Last evaluated: 2025-08-08. Review status: criteria provided, single submitter. Criteria: Invitae Variant Classification Sherloc (09022015). Collection method: clinical testing. Allele origin: germline.
Comment: This sequence change replaces glycine, which is neutral and non-polar, with aspartic acid, which is acidic and polar, at codon 2234 of the NOTCH2 protein (p.Gly2234Asp). This variant is not present in population databases (gnomAD no frequency). This variant has not been reported in the literature in individuals affected with NOTCH2-related conditions. ClinVar contains an entry for this variant (Variation ID: 3344371). Invitae Evidence Modeling of protein sequence and biophysical properties (such as structural, functional, and spatial information, amino acid conservation, physicochemical variation, residue mobility, and thermodynamic stability) indicates that this missense variant is not expected to disrupt NOTCH2 protein function with a negative predictive value of 80%. In summary, the available evidence is currently insufficient to determine the role of this variant in disease. Therefore, it has been classified as a Variant of Uncertain Significance.

PreventionGenetics, part of Exact Sciences
Classification: Uncertain significance for NOTCH2-related condition. Last evaluated: 2024-06-20. Review status: no assertion criteria provided. Collection method: clinical testing. Allele origin: germline. Not counted in ClinVar's aggregate classification.
Comment: The NOTCH2 c.6701G>A variant is predicted to result in the amino acid substitution p.Gly2234Asp. To our knowledge, this variant has not been reported in the literature or in gnomAD, indicating this variant is rare. At this time, the clinical significance of this variant is uncertain due to the absence of conclusive functional and genetic evidence.